The following is an entry in ClinVar:

ClinVar aggregate classification (germline): Pathogenic (1 of 4 stars; one submission).

Submission:

HudsonAlpha Institute for Biotechnology
Classification: Pathogenic. Last evaluated: 2021-02-17. Review status: criteria provided, single submitter. Criteria: ACMG/ClinGen CNV Guidelines, 2019. Collection method: research. Allele origin: de novo. Affected: yes. Observed: 1 variant allele. Study: CSER-SouthSeq.
Comment: ACMG codes:2A(1.0), 3C(0.9), 4L(0.15)

GRCh37/hg19 22q11.21(chr22:18884714-21483289)x1

Genes: THAP7 (THAP domain containing 7; minus strand), TMEM191B (transmembrane protein 191B; plus strand), ZNF74 (zinc finger protein 74; plus strand), TRMT2A (tRNA methyltransferase 2 homolog A; minus strand), TSSK2 (testis specific serine kinase 2; plus strand) and 42 more. Cytogenetic location: 22q11.21.
Variant type: copy number loss.
Change: copy number 1 (one copy instead of two) of chr22:18,884,714-21,483,289 (2.60 Mb, GRCh37 coordinates, 1-based), cytogenetic band 22q11.21.
Identifiers: ClinVar variation 1321997 (VCV001321997.1).